The following is an entry in ClinVar:

ClinVar aggregate classification (germline): Conflicting classifications of pathogenicity. Review status: criteria provided, conflicting classifications (1 of 4 stars). 4 submissions from 4 submitters: Uncertain significance (2); Likely benign (1). 1 of the submissions does not count toward it. Last evaluated 2026-01-24.

Conditions:
Congenital myasthenic syndrome 8. Also called: MYASTHENIC SYNDROME, CONGENITAL, DUE TO AGRIN DEFICIENCY; Myasthenic syndrome, congenital, 8, with pre- and postsynaptic defects. Identifiers: Orphanet 590, MedGen C3808739, MONDO:0014052, OMIM 615120.
Inborn genetic diseases. Identifiers: MedGen C0950123, MeSH D030342.
AGRN-related disorder. Also called: AGRN-related condition.

Allele frequency attached by ClinVar (database versions not stated): gnomAD 0.00015 and 0.00016; gnomAD exomes 0.00041 and 0.00086; TOPMed 0.00042; ExAC 0.00076.
gnomAD v4.1: 267 of 1,613,288 alleles (0.017%); highest among the groups gnomAD compares: Admixed American, 0.41%; 1 homozygote.

Submissions (4):

Labcorp Genetics (formerly Invitae), Labcorp
Classification: Likely benign for Congenital myasthenic syndrome 8. Last evaluated: 2026-01-24. Review status: criteria provided, single submitter. Criteria: Invitae Variant Classification Sherloc (09022015). Collection method: clinical testing. Allele origin: germline.

Ambry Genetics
Classification: Uncertain significance for Inborn genetic diseases. Last evaluated: 2025-02-20. Review status: criteria provided, single submitter. Criteria: Ambry Variant Classification Scheme 2023. Collection method: clinical testing. Allele origin: germline.

Mayo Clinic Laboratories, Mayo Clinic
Classification: Uncertain significance. Last evaluated: 2024-02-01. Review status: criteria provided, single submitter. Criteria: ACMG Guidelines, 2015. Collection method: clinical testing. Allele origin: germline. Observed: 1 variant allele.
Comment: BS1

PreventionGenetics, part of Exact Sciences
Classification: Likely benign for AGRN-related condition. Last evaluated: 2020-12-31. Review status: no assertion criteria provided. Collection method: clinical testing. Allele origin: germline. Not counted in ClinVar's aggregate classification.
Comment: This variant is classified as likely benign based on ACMG/AMP sequence variant interpretation guidelines (Richards et al. 2015 PMID: 25741868, with internal and published modifications).

NM_198576.4(AGRN):c.384C>G (p.His128Gln)

Genes: AGRN (agrin; plus strand), LOC126805576 (P300/CBP strongly-dependent group 1 enhancer GRCh37_chr1:956772-957971; plus strand). Cytogenetic location: 1p36.33.
Variant type: single nucleotide variant.
Coding change: c.384C>G on transcript NM_198576.4 (MANE Select); coding-DNA position 384, C replaced by G.
Protein change: p.His128Gln; replaces histidine 128 with glutamine.
Molecular consequence: missense variant.
Genome position (GRCh38, 1-based): chr1:1,022,383, C>G. VCF-style: chr1-1022383-C-G. GRCh37 (hg19) VCF-style: chr1-957763-C-G.
Other names: p.His128Gln; c.384C>G, p.His128Gln (NM_001305275.2); short protein forms H128Q.
Identifiers: ClinVar variation 541203 (VCV000541203.18), dbSNP rs768527925, ClinGen allele CA507813.